The following is an entry in ClinVar:

ClinVar aggregate classification (germline): Uncertain significance (1 of 4 stars; one submission).

Conditions:
Hereditary cancer-predisposing syndrome. Also called: Hereditary Cancer Syndrome; Hereditary neoplastic syndrome; Neoplastic Syndromes, Hereditary; Tumor predisposition. Identifiers: Orphanet 140162, MedGen C0027672, MeSH D009386, MONDO:0015356.

Submission:

Ambry Genetics
Classification: Uncertain significance for Hereditary cancer-predisposing syndrome. Last evaluated: 2024-09-13. Review status: criteria provided, single submitter. Criteria: Ambry Variant Classification Scheme 2023. Collection method: clinical testing. Allele origin: germline.
Comment: The p.A438V variant (also known as c.1313C>T), located in coding exon 7 of the SMARCA4 gene, results from a C to T substitution at nucleotide position 1313. The alanine at codon 438 is replaced by valine, an amino acid with similar properties. This amino acid position is highly conserved in available vertebrate species. In addition, the in silico prediction for this alteration is inconclusive. Based on the available evidence, the clinical significance of this variant remains unclear.

NM_003072.5(SMARCA4):c.1313C>T (p.Ala438Val)

Gene: SMARCA4 (SWI/SNF related BAF chromatin remodeling complex subunit ATPase 4; plus strand). Cytogenetic location: 19p13.2.
Variant type: single nucleotide variant.
Coding change: c.1313C>T on transcript NM_003072.5 (MANE Select); coding-DNA position 1313, C replaced by T.
Protein change: p.Ala438Val; replaces alanine 438 with valine.
Molecular consequence: missense variant. On other transcripts: non-coding transcript variant (1).
Genome position (GRCh38, 1-based): chr19:10,991,217, C>T. VCF-style: chr19-10991217-C-T. GRCh37 (hg19) VCF-style: chr19-11101893-C-T.
Other names: c.1313C>T, p.Ala438Val (NM_001128844.3, NM_001128845.2, NM_001128846.2 and 6 more transcripts); short protein forms A438V.
Identifiers: ClinVar variation 1769721 (VCV001769721.3), dbSNP rs2145879673, ClinGen allele CA404060719.